The following is an entry in ClinVar:

ClinVar aggregate classification (germline): Conflicting classifications of pathogenicity. Review status: criteria provided, conflicting classifications (1 of 4 stars). 5 submissions from 5 submitters: Pathogenic (1); Likely pathogenic (1); Uncertain significance (2). 1 of the submissions does not count toward it. Last evaluated 2025-09-03.

Conditions:
Maple syrup urine disease type 1A (MSUD1A). Also called: MSUD type 1A. Identifiers: MedGen C1855369, MONDO:0023691, OMIM 248600.
Maple syrup urine disease (MSUD). Identifiers: Orphanet 511, MedGen C0024776, MeSH D008375, MONDO:0009563. Disease mechanism: loss of function.

Allele frequency attached by ClinVar (database versions not stated): TOPMed 0.00002; gnomAD exomes below 0.00001 and 0.00003; gnomAD 0.00002.
gnomAD v4.1: 41 of 1,610,852 alleles (0.0025%); highest among the groups gnomAD compares: Non-Finnish European, 0.0033%; no homozygotes.

Submissions (5):

Women's Health and Genetics/Laboratory Corporation of America, LabCorp
Classification: Uncertain significance. Last evaluated: 2025-09-03. Review status: criteria provided, single submitter. Criteria: LabCorp Variant Classification Summary - May 2015. Collection method: clinical testing. Allele origin: germline.
Comment: Variant summary: DBT c.401C>T (p.Pro134Leu) results in a non-conservative amino acid change in the encoded protein sequence. Algorithms developed to predict the effect of missense changes on protein structure and function are either unavailable or do not agree on the potential impact of this missense change. The variant allele was found at a frequency of 4e-06 in 250484 control chromosomes. The available data on variant occurrences in the general population are insufficient to allow any conclusion about variant significance. c.401C>T has been observed in individual(s) affected with Maple Syrup Urine Disease (internal_testing). These data do not allow any conclusion about variant significance. To our knowledge, no experimental evidence demonstrating an impact on protein function has been reported. ClinVar contains an entry for this variant (Variation ID: 429606). Based on the evidence outlined above, the variant was classified as uncertain significance.

Labcorp Genetics (formerly Invitae), Labcorp
Classification: Pathogenic for Maple syrup urine disease. Last evaluated: 2024-01-17. Review status: criteria provided, single submitter. Criteria: Invitae Variant Classification Sherloc (09022015). Collection method: clinical testing. Allele origin: germline.
Comment: This sequence change replaces proline, which is neutral and non-polar, with leucine, which is neutral and non-polar, at codon 134 of the DBT protein (p.Pro134Leu). This variant is present in population databases (no rsID available, gnomAD 0.002%). This missense change has been observed in individual(s) with maple syrup urine disease (Invitae). ClinVar contains an entry for this variant (Variation ID: 429606). Advanced modeling of protein sequence and biophysical properties (such as structural, functional, and spatial information, amino acid conservation, physicochemical variation, residue mobility, and thermodynamic stability) has been performed at Invitae for this missense variant, however the output from this modeling did not meet the statistical confidence thresholds required to predict the impact of this variant on DBT protein function. For these reasons, this variant has been classified as Pathogenic.

Genome-Nilou Lab
Classification: Uncertain significance for Maple syrup urine disease type 1A. Last evaluated: 2021-11-07. Review status: criteria provided, single submitter. Criteria: ACMG Guidelines, 2015. Collection method: clinical testing. Allele origin: germline. Affected: no.

GeneDx
Classification: Likely pathogenic. Last evaluated: 2016-07-15. Review status: criteria provided, single submitter. Criteria: GeneDx Variant Classification (06012015). Collection method: clinical testing. Allele origin: germline. Affected: yes.
Comment: A P134L variant has not been published as a pathogenic variant, nor has it been reported as a benign polymorphism to our knowledge. The P134L variant is a semi-conservative amino acid substitution, which may impact secondary protein structure as these residues differ in some properties. This substitution occurs at a position that is conserved across species. In silico analysis predicts this variant is probably damaging to the protein structure/function. Missense variants in nearby residues (G132R and I138T) have been reported in the Human Gene Mutation Database in association with MSUD (Stenson et al., 2014), supporting the functional importance of this region of the protein. Therefore, this variant is a strong candidate for a pathogenic variant, however the possibility that it is a benign variant cannot be excluded.

Counsyl
Classification: Uncertain significance for Maple syrup urine disease type 1A. Last evaluated: 2019-01-09. Review status: no assertion criteria provided. Collection method: clinical testing. Allele origin: unknown. Not counted in ClinVar's aggregate classification.

NM_001918.5(DBT):c.401C>T (p.Pro134Leu)

Gene: DBT (dihydrolipoamide branched chain transacylase E2; minus strand). Cytogenetic location: 1p21.2.
Variant type: single nucleotide variant.
Coding change: c.401C>T on transcript NM_001918.5 (MANE Select); coding-DNA position 401, C replaced by T.
Protein change: p.Pro134Leu; replaces proline 134 with leucine.
Molecular consequence: missense variant.
Genome position (GRCh38, 1-based): chr1:100,230,765, G>A on the plus strand (C>T on the coding strand, the complement: DBT is on the minus strand). VCF-style: chr1-100230765-G-A. GRCh37 (hg19) VCF-style: chr1-100696321-G-A.
Other names: short protein forms P134L.
Identifiers: ClinVar variation 429606 (VCV000429606.14), dbSNP rs1131691488, ClinGen allele CA341343716.
Genomic context (GRCh38, chr1:100,230,765, plus strand): 5'-GTAAAATAGATTAACAGACTTACAATACCTTTTAAAGCTTCCGTTTCTATGTCTACTAAT[G>A]GCTTCCCCACATAGGCAATATCGTCTAGATTATAATAGAGTTTTTTAATGACTCCATCAT-3'
Protein context (NP_001909.4, residues 124-144): NLDDIAYVGK[Pro134Leu]LVDIETEALK